The following is an entry in ClinVar:

ClinVar aggregate classification (germline): Likely pathogenic (1 of 4 stars; one submission).

Conditions:
Early-infantile DEE. Also called: Early infantile epileptic encephalopathy; Early infantile epileptic encephalopathy with suppression bursts; Ohtahara syndrome. Identifiers: Orphanet 1934, MedGen C0393706, MONDO:0800491.

gnomAD v4.1: 2 of 1,610,110 alleles (0.00012%); highest among the groups gnomAD compares: Admixed American, 0.0017%; no homozygotes.

Submission:

Labcorp Genetics (formerly Invitae), Labcorp
Classification: Likely pathogenic for Early-infantile DEE. Last evaluated: 2025-03-13. Review status: criteria provided, single submitter. Criteria: Invitae Variant Classification Sherloc (09022015). Collection method: clinical testing. Allele origin: germline.
Comment: This sequence change replaces asparagine, which is neutral and polar, with aspartic acid, which is acidic and polar, at codon 1338 of the SCN1A protein (p.Asn1338Asp). This variant is present in population databases (no rsID available, gnomAD 0.0009%). This variant has not been reported in the literature in individuals affected with SCN1A-related conditions. Invitae Evidence Modeling of protein sequence and biophysical properties (such as structural, functional, and spatial information, amino acid conservation, physicochemical variation, residue mobility, and thermodynamic stability) indicates that this missense variant is expected to disrupt SCN1A protein function with a positive predictive value of 95%. This variant disrupts the p.Asn1338 amino acid residue in SCN1A. Other variant(s) that disrupt this residue have been determined to be pathogenic (PMID: 24901346, 26795593). This suggests that this residue is clinically significant, and that variants that disrupt this residue are likely to be disease-causing. In summary, the currently available evidence indicates that the variant is pathogenic, but additional data are needed to prove that conclusively. Therefore, this variant has been classified as Likely Pathogenic.

Literature cited by the submitters: PubMed 24901346; PubMed 26795593.

NM_001165963.4(SCN1A):c.4012A>G (p.Asn1338Asp)

Genes: SCN1A (sodium voltage-gated channel alpha subunit 1; minus strand), LOC102724058 (uncharacterized LOC102724058; plus strand). Cytogenetic location: 2q24.3.
Variant type: single nucleotide variant.
Coding change: c.4012A>G on transcript NM_001165963.4 (MANE Select); coding-DNA position 4012, A replaced by G.
Protein change: p.Asn1338Asp; replaces asparagine 1338 with aspartic acid.
Molecular consequence: missense variant. On other transcripts: non-coding transcript variant (1).
Genome position (GRCh38, 1-based): chr2:166,002,744, T>C on the plus strand (A>G on the coding strand, the complement: SCN1A is on the minus strand). VCF-style: chr2-166002744-T-C. GRCh37 (hg19) VCF-style: chr2-166859254-T-C.
Other names: c.3928A>G, p.Asn1310Asp (NM_001165964.3, NM_001353957.2, NM_001353958.2); c.4012A>G, p.Asn1338Asp (NM_001202435.3, NM_001353948.2); c.3979A>G, p.Asn1327Asp (NM_001353949.2, NM_001353950.2, NM_001353951.2 and 2 more transcripts); c.3976A>G, p.Asn1326Asp (NM_001353954.2, NM_001353955.2); c.3925A>G, p.Asn1309Asp (NM_001353960.2); c.1570A>G, p.Asn524Asp (NM_001353961.2); short protein forms N1309D, N1310D, N524D, N1327D, N1326D, N1338D.
Identifiers: ClinVar variation 4737183 (VCV004737183.1).
Genomic context (GRCh38, chr2:166,002,744, plus strand): 5'-AGAATATAAGACAAACCAGAAGCACATTCATGATGGATGGAATTGCTCCTAAAAGGGCAT[T>C]CACAACCACCTAATACACAAATGGAAAAAAAGAAAAGTCAGAATTCTTATCTGTTAATAA-3'
Protein context (NP_001159435.1, residues 1328-1348): SRFEGMRVVV[Asn1338Asp]ALLGAIPSIM